The following is an entry in ClinVar:

ClinVar aggregate classification (germline): Uncertain significance (1 of 4 stars; one submission).

Submission:

Labcorp Genetics (formerly Invitae), Labcorp
Classification: Uncertain significance. Last evaluated: 2023-03-13. Review status: criteria provided, single submitter. Criteria: Invitae Variant Classification Sherloc (09022015). Collection method: clinical testing. Allele origin: germline.
Comment: In summary, the available evidence is currently insufficient to determine the role of this variant in disease. Therefore, it has been classified as a Variant of Uncertain Significance. Advanced modeling of protein sequence and biophysical properties (such as structural, functional, and spatial information, amino acid conservation, physicochemical variation, residue mobility, and thermodynamic stability) performed at Invitae indicates that this missense variant is not expected to disrupt POLE protein function. This variant has not been reported in the literature in individuals affected with POLE-related conditions. This variant is not present in population databases (gnomAD no frequency). This sequence change replaces glutamine, which is neutral and polar, with leucine, which is neutral and non-polar, at codon 2143 of the POLE protein (p.Gln2143Leu).

NM_006231.4(POLE):c.6428A>T (p.Gln2143Leu)

Gene: POLE (DNA polymerase epsilon, catalytic subunit; minus strand). Cytogenetic location: 12q24.33.
Variant type: single nucleotide variant.
Coding change: c.6428A>T on transcript NM_006231.4 (MANE Select); coding-DNA position 6428, A replaced by T.
Protein change: p.Gln2143Leu; replaces glutamine 2143 with leucine.
Molecular consequence: missense variant.
Genome position (GRCh38, 1-based): chr12:132,626,220, T>A on the plus strand (A>T on the coding strand, the complement: POLE is on the minus strand). VCF-style: chr12-132626220-T-A. GRCh37 (hg19) VCF-style: chr12-133202806-T-A.
Other names: short protein forms Q2143L.
Identifiers: ClinVar variation 2845343 (VCV002845343.3), dbSNP rs761600734, ClinGen allele CA387367591.